The following is an entry in ClinVar:

NM_001114753.3(ENG):c.665G>A (p.Arg222Lys)

Gene: ENG (endoglin; minus strand). Cytogenetic location: 9q34.11.
Variant type: single nucleotide variant.
Coding change: c.665G>A on transcript NM_001114753.3 (MANE Select); coding-DNA position 665, G replaced by A.
Protein change: p.Arg222Lys; replaces arginine 222 with lysine.
Molecular consequence: missense variant.
Genome position (GRCh38, 1-based): chr9:127,825,719, C>T on the plus strand (G>A on the coding strand, the complement: ENG is on the minus strand). VCF-style: chr9-127825719-C-T. GRCh37 (hg19) VCF-style: chr9-130587998-C-T.
Other names: c.665G>A, p.Arg222Lys (NM_000118.4, NM_001406715.1); c.119G>A, p.Arg40Lys (NM_001278138.2); short protein forms R222K, R40K.
Identifiers: ClinVar variation 2419767 (VCV002419767.6), dbSNP rs778438920, ClinGen allele CA5253057.
Genomic context (GRCh38, chr9:127,825,719, plus strand): 5'-TGGGGACTAGTGTCAGGGGCGGGGCGAGAGCCATACCCGGCCGAGTGGCCCGGCAGGACC[C>T]TCAGGATGTGCGCCTCCTTGTGGCCGGCCACGCCTTCCAAGTGGCAGCCCCGGACCAAGG-3'
Protein context (NP_001108225.1, residues 212-232): VAGHKEAHIL[Arg222Lys]VLPGHSAGPR

ClinVar aggregate classification (germline): Conflicting classifications of pathogenicity. Review status: criteria provided, conflicting classifications (1 of 4 stars). 2 submissions from 2 submitters: Uncertain significance (1); Likely benign (1). Last evaluated 2025-03-13.

Conditions:
Hereditary hemorrhagic telangiectasia (HHT). Also called: ORW DISEASE; Osler Weber Rendu syndrome; OSLER-RENDU-WEBER DISEASE; Osler hemorrhagic telangiectasia syndrome. Identifiers: Orphanet 774, MedGen C0039445, MONDO:0019180. Disease mechanism: loss of function.
Telangiectasia, hereditary hemorrhagic, type 1 (HHT1). Also called: Osler Weber Rendu syndrome type 1; ENG-Related Hereditary Hemorrhagic Telangiectasia. Identifiers: Orphanet 774, MedGen C4551861, MONDO:0008535, OMIM 187300. Disease mechanism: loss of function.

Allele frequency attached by ClinVar (database versions not stated): gnomAD exomes below 0.00001; ExAC 0.00004.

Submissions (2):

ARUP Laboratories, Molecular Genetics and Genomics, ARUP Laboratories
Classification: Uncertain significance for Telangiectasia, hereditary hemorrhagic, type 1. Last evaluated: 2025-03-13. Review status: criteria provided, single submitter. Criteria: ARUP Molecular Germline Variant Investigation Process 2024. Collection method: clinical testing. Allele origin: germline.
Comment: The ENG c.665G>A p.Arg222Lys variant (rs778438920), to our knowledge, is not reported in the medical literature but is reported in ClinVar (Variation ID: 2419767). This variant is only observed on one allele in the Genome Aggregation Database (v2.1.1), indicating it is not a common polymorphism. Computational analyses are uncertain whether this variant is neutral or deleterious (REVEL: 0.161). However, given the lack of clinical and functional data, the significance of this variant is uncertain at this time.

Labcorp Genetics (formerly Invitae), Labcorp
Classification: Likely benign for Hereditary hemorrhagic telangiectasia. Last evaluated: 2022-03-19. Review status: criteria provided, single submitter. Criteria: Invitae Variant Classification Sherloc (09022015). Collection method: clinical testing. Allele origin: germline.